The following is an entry in ClinVar:

ClinVar aggregate classification (germline): Uncertain significance (1 of 4 stars; one submission).

Conditions:
Familial thoracic aortic aneurysm and aortic dissection (TAAD). Also called: Thoracic aortic aneurysms and dissections. Identifiers: Orphanet 91387, MedGen C4707243, MONDO:0019625.

Submission:

Labcorp Genetics (formerly Invitae), Labcorp
Classification: Uncertain significance for Familial thoracic aortic aneurysm and aortic dissection. Last evaluated: 2025-06-01. Review status: criteria provided, single submitter. Criteria: Invitae Variant Classification Sherloc (09022015). Collection method: clinical testing. Allele origin: germline.
Comment: This sequence change replaces serine, which is neutral and polar, with arginine, which is basic and polar, at codon 391 of the SMAD3 protein (p.Ser391Arg). This variant is not present in population databases (gnomAD no frequency). This variant has not been reported in the literature in individuals affected with SMAD3-related conditions. Invitae Evidence Modeling of protein sequence and biophysical properties (such as structural, functional, and spatial information, amino acid conservation, physicochemical variation, residue mobility, and thermodynamic stability) indicates that this missense variant is expected to disrupt SMAD3 protein function with a positive predictive value of 80%. In summary, the available evidence is currently insufficient to determine the role of this variant in disease. Therefore, it has been classified as a Variant of Uncertain Significance.

NM_005902.4(SMAD3):c.1173T>A (p.Ser391Arg)

Gene: SMAD3 (SMAD family member 3; plus strand). Cytogenetic location: 15q22.33.
Variant type: single nucleotide variant.
Coding change: c.1173T>A on transcript NM_005902.4 (MANE Select); coding-DNA position 1173, T replaced by A.
Protein change: p.Ser391Arg; replaces serine 391 with arginine.
Molecular consequence: missense variant.
Genome position (GRCh38, 1-based): chr15:67,190,431, T>A. VCF-style: chr15-67190431-T-A. GRCh37 (hg19) VCF-style: chr15-67482769-T-A.
Other names: c.858T>A, p.Ser286Arg (NM_001145102.2, NM_001407016.1); c.1041T>A, p.Ser347Arg (NM_001145103.2, NM_001407012.1); c.588T>A, p.Ser196Arg (NM_001145104.2, NM_001407017.1); c.1284T>A, p.Ser428Arg (NM_001407011.1); c.1035T>A, p.Ser345Arg (NM_001407013.1); c.1026T>A, p.Ser342Arg (NM_001407014.1); c.726T>A, p.Ser242Arg (NM_001407015.1); short protein forms S345R, S391R, S196R, S242R, S286R, S347R, S342R, S428R.
Identifiers: ClinVar variation 4744939 (VCV004744939.1).